The following is an entry in ClinVar:

ClinVar aggregate classification (germline): Uncertain significance (1 of 4 stars; one submission).

Submission:

Labcorp Genetics (formerly Invitae), Labcorp
Classification: Uncertain significance. Last evaluated: 2021-06-01. Review status: criteria provided, single submitter. Criteria: Invitae Variant Classification Sherloc (09022015). Collection method: clinical testing. Allele origin: germline.
Comment: This variant has not been reported in the literature in individuals with LRP2-related conditions. In summary, the available evidence is currently insufficient to determine the role of this variant in disease. Therefore, it has been classified as a Variant of Uncertain Significance. Advanced modeling of protein sequence and biophysical properties (such as structural, functional, and spatial information, amino acid conservation, physicochemical variation, residue mobility, and thermodynamic stability) performed at Invitae indicates that this missense variant is not expected to disrupt LRP2 protein function. This variant is not present in population databases (ExAC no frequency). This sequence change replaces glutamine with arginine at codon 3843 of the LRP2 protein (p.Gln3843Arg). The glutamine residue is weakly conserved and there is a small physicochemical difference between glutamine and arginine.

NM_004525.3(LRP2):c.11528A>G (p.Gln3843Arg)

Gene: LRP2 (LDL receptor related protein 2; minus strand). Cytogenetic location: 2q31.1.
Variant type: single nucleotide variant.
Coding change: c.11528A>G on transcript NM_004525.3 (MANE Select); coding-DNA position 11528, A replaced by G.
Protein change: p.Gln3843Arg; replaces glutamine 3843 with arginine.
Molecular consequence: missense variant.
Genome position (GRCh38, 1-based): chr2:169,168,646, T>C on the plus strand (A>G on the coding strand, the complement: LRP2 is on the minus strand). VCF-style: chr2-169168646-T-C. GRCh37 (hg19) VCF-style: chr2-170025156-T-C.
Other names: short protein forms Q3843R.
Identifiers: ClinVar variation 1470185 (VCV001470185.8), dbSNP rs2105272341, ClinGen allele CA349141574.
Genomic context (GRCh38, chr2:169,168,646, plus strand): 5'-CCATCACATTTCCAATATGGCGGGATACAAACATGGTTTTTGCATTCGAACATAGTAGCC[T>C]GGCAGTATGCACCATCAGGAAAGCGTGTGGCTGCCATGGGGGAAAAAAACATATTCAAAT-3'
Protein context (NP_004516.2, residues 3833-3853): PTRFPDGAYC[Gln3843Arg]ATMFECKNHV